The following is an entry in ClinVar:

ClinVar aggregate classification (germline): Uncertain significance (1 of 4 stars; one submission).

Conditions:
Monogenic diabetes. Identifiers: Orphanet 183625, MedGen C3888631, MONDO:0015967.

Allele frequency attached by ClinVar (database versions not stated): TOPMed 0.00014.
gnomAD v4.1: 249 of 1,612,868 alleles (0.015%); highest among the groups gnomAD compares: Non-Finnish European, 0.021%; no homozygotes.

Submission:

Personalized Diabetes Medicine Program, University of Maryland School of Medicine
Classification: Uncertain significance for Monogenic diabetes. Last evaluated: 2017-09-29. Review status: criteria provided, single submitter. Criteria: ACMG Guidelines, 2015. Collection method: research. Allele origin: unknown. Observed: 1 variant allele, 1 heterozygote. Study: Personalized Diabetes Medicine Program.
Comment: ACMG Criteria:PP3 (3 predictors), PVS1 (splicing)

NM_002666.5(PLIN1):c.964-1G>A

Gene: PLIN1 (perilipin 1; minus strand). Cytogenetic location: 15q26.1.
Variant type: single nucleotide variant.
Coding change: c.964-1G>A on transcript NM_002666.5 (MANE Select); the canonical splice acceptor site of the intron before coding-DNA position 964, G replaced by A.
Molecular consequence: splice acceptor variant.
Genome position (GRCh38, 1-based): chr15:89,667,182, C>T on the plus strand (G>A on the coding strand, the complement: PLIN1 is on the minus strand). VCF-style: chr15-89667182-C-T. GRCh37 (hg19) VCF-style: chr15-90210413-C-T.
Other names: c.964-1G>A (NM_001145311.2).
Identifiers: ClinVar variation 549544 (VCV000549544.4), dbSNP rs201579932, ClinGen allele CA7728848.